The following is an entry in ClinVar:

ClinVar aggregate classification (germline): Uncertain significance (1 of 4 stars; one submission).

Submission:

Ambry Genetics
Classification: Uncertain significance. Last evaluated: 2022-06-06. Review status: criteria provided, single submitter. Criteria: Ambry Variant Classification Scheme 2023. Collection method: clinical testing. Allele origin: germline.
Comment: The p.V951L variant (also known as c.2851G>C), located in coding exon 18 of the MYOM1 gene, results from a G to C substitution at nucleotide position 2851. The valine at codon 951 is replaced by leucine, an amino acid with highly similar properties. This amino acid position is conserved. In addition, this alteration is predicted to be tolerated by in silico analysis. Since supporting evidence is limited at this time, the clinical significance of this alteration remains unclear.

NM_003803.4(MYOM1):c.2851G>C (p.Val951Leu)

Gene: MYOM1 (myomesin 1; minus strand). Cytogenetic location: 18p11.31.
Variant type: single nucleotide variant.
Coding change: c.2851G>C on transcript NM_003803.4 (MANE Select); coding-DNA position 2851, G replaced by C.
Protein change: p.Val951Leu; replaces valine 951 with leucine.
Molecular consequence: missense variant.
Genome position (GRCh38, 1-based): chr18:3,126,841, C>G on the plus strand (G>C on the coding strand, the complement: MYOM1 is on the minus strand). VCF-style: chr18-3126841-C-G. GRCh37 (hg19) VCF-style: chr18-3126839-C-G.
Other names: c.2563G>C, p.Val855Leu (NM_019856.2); short protein forms V951L, V855L.
Identifiers: ClinVar variation 1796847 (VCV001796847.2), dbSNP rs573023709, ClinGen allele CA401708608.